The following is an entry in ClinVar:

NM_153717.3(EVC):c.2688+2T>G

Gene: EVC (EvC ciliary complex subunit 1; plus strand). Cytogenetic location: 4p16.2.
Variant type: single nucleotide variant.
Coding change: c.2688+2T>G on transcript NM_153717.3 (MANE Select); the canonical splice donor site of the intron after coding-DNA position 2688, T replaced by G.
Molecular consequence: splice donor variant.
Genome position (GRCh38, 1-based): chr4:5,808,329, T>G. VCF-style: chr4-5808329-T-G. GRCh37 (hg19) VCF-style: chr4-5810056-T-G.
Other names: c.2688+2T>G (NM_001306090.2).
Identifiers: ClinVar variation 2936899 (VCV002936899.3), dbSNP rs1577664431, ClinGen allele CA356151360.

ClinVar aggregate classification (germline): Likely pathogenic (1 of 4 stars; one submission).

Conditions:
Curry-Hall syndrome (WAD). Also called: WEYERS ACRODENTAL DYSOSTOSIS. Identifiers: Orphanet 952, MedGen C0457013, MONDO:0008673, OMIM 193530.
Ellis-van Creveld syndrome (EVC). Also called: EVC-Related Ellis-van Creveld Syndrome; EVC2-Related Ellis-van Creveld Syndrome; MESOECTODERMAL DYSPLASIA; Chondroectodermal dysplasia. Identifiers: Orphanet 289, MedGen C0013903, MONDO:0009162, OMIM 225500.

Submission:

Labcorp Genetics (formerly Invitae), Labcorp
Classification: Likely pathogenic for Curry-Hall syndrome; Ellis-van Creveld syndrome. Last evaluated: 2023-05-19. Review status: criteria provided, single submitter. Criteria: Invitae Variant Classification Sherloc (09022015). Collection method: clinical testing. Allele origin: germline.
Comment: In summary, the currently available evidence indicates that the variant is pathogenic, but additional data are needed to prove that conclusively. Therefore, this variant has been classified as Likely Pathogenic. Algorithms developed to predict the effect of sequence changes on RNA splicing suggest that this variant may disrupt the consensus splice site. This variant has not been reported in the literature in individuals affected with EVC-related conditions. This variant is not present in population databases (gnomAD no frequency). This sequence change affects a donor splice site in intron 18 of the EVC gene. It is expected to disrupt RNA splicing. Variants that disrupt the donor or acceptor splice site typically lead to a loss of protein function (PMID: 16199547), and loss-of-function variants in EVC are known to be pathogenic (PMID: 23220543).

Literature cited by the submitters: PubMed 16199547; PubMed 23220543.